The following is an entry in ClinVar:

NM_001378418.1(TCF20):c.4704A>T (p.Glu1568Asp)

Gene: TCF20 (transcription factor 20; minus strand). Cytogenetic location: 22q13.2.
Variant type: single nucleotide variant.
Coding change: c.4704A>T on transcript NM_001378418.1 (MANE Select); coding-DNA position 4704, A replaced by T.
Protein change: p.Glu1568Asp; replaces glutamic acid 1568 with aspartic acid.
Molecular consequence: missense variant.
Genome position (GRCh38, 1-based): chr22:42,210,602, T>A on the plus strand (A>T on the coding strand, the complement: TCF20 is on the minus strand). VCF-style: chr22-42210602-T-A. GRCh37 (hg19) VCF-style: chr22-42606608-T-A.
Other names: c.4704A>T, p.Glu1568Asp (NM_005650.4, NM_181492.3); short protein forms E1568D.
Identifiers: ClinVar variation 1711555 (VCV001711555.30), dbSNP rs2518204919, ClinGen allele CA411783632.

ClinVar aggregate classification (germline): Uncertain significance (1 of 4 stars; one submission).

Submission:

CeGaT Center for Human Genetics Tuebingen
Classification: Uncertain significance. Last evaluated: 2022-08-01. Review status: criteria provided, single submitter. Criteria: CeGaT Center For Human Genetics Tuebingen Variant Classification Criteria Version 2. Collection method: clinical testing. Allele origin: germline. Affected: yes. Observed: 1 variant allele.
Comment: TCF20: PM2